The following is an entry in ClinVar:

NM_001378457.1(DMXL2):c.3459A>G (p.Ala1153=)

Gene: DMXL2 (Dmx like 2; minus strand). Cytogenetic location: 15q21.2.
Variant type: single nucleotide variant.
Coding change: c.3459A>G on transcript NM_001378457.1 (MANE Select); coding-DNA position 3459, A replaced by G.
Protein change: p.Ala1153=; no amino-acid change (alanine 1153 retained).
Molecular consequence: synonymous variant. On other transcripts: non-coding transcript variant (2), intron variant (2).
Genome position (GRCh38, 1-based): chr15:51,499,765, T>C on the plus strand (A>G on the coding strand, the complement: DMXL2 is on the minus strand). VCF-style: chr15-51499765-T-C. GRCh37 (hg19) VCF-style: chr15-51791962-T-C.
Other names: c.3459A>G, p.Ala1153= (NM_001174116.3, NM_001378458.1, NM_001378459.1 and 4 more transcripts); c.3219A>G, p.Ala1073= (NM_001378464.1); c.2764+7369A>G (NM_001378460.1); c.2765-4631A>G (NM_001174117.3).
Identifiers: ClinVar variation 708177 (VCV000708177.10), dbSNP rs146147668, ClinGen allele CA7562160.

ClinVar aggregate classification (germline): Likely benign. Review status: criteria provided, multiple submitters, no conflicts (2 of 4 stars). 3 submissions from 3 submitters: Likely benign (3). Last evaluated 2026-05-12.

Conditions:
DMXL2-related disorder. Also called: DMXL2-related condition.

Allele frequency attached by ClinVar (database versions not stated): gnomAD 0.00013 and 0.00014; ESP Exome Variant Server 0.00015; TOPMed 0.00016; ExAC 0.00026; gnomAD exomes 0.00026.

Submissions (3):

PreventionGenetics, part of Exact Sciences
Classification: Likely benign for DMXL2-related condition. Last evaluated: 2026-05-12. Review status: criteria provided, single submitter. Criteria: ACMG Guidelines, 2015. Collection method: clinical testing. Allele origin: germline.
Comment: This variant is classified as likely benign based on ACMG/AMP sequence variant interpretation guidelines (Richards et al. 2015 PMID: 25741868, with internal and published modifications).

Labcorp Genetics (formerly Invitae), Labcorp
Classification: Likely benign. Last evaluated: 2025-10-24. Review status: criteria provided, single submitter. Criteria: Invitae Variant Classification Sherloc (09022015). Collection method: clinical testing. Allele origin: germline.

Blueprint Genetics
Classification: Likely benign. Last evaluated: 2024-08-30. Review status: criteria provided, single submitter. Criteria: ACMG Guidelines, 2015. Collection method: clinical testing. Allele origin: germline.